The following is an entry in ClinVar:

ClinVar aggregate classification (germline): Uncertain significance. Review status: criteria provided, multiple submitters, no conflicts (2 of 4 stars). 2 submissions from 2 submitters: Uncertain significance (2). Last evaluated 2025-09-05.

Conditions:
Hereditary cancer-predisposing syndrome. Also called: Hereditary Cancer Syndrome; Hereditary neoplastic syndrome; Tumor predisposition; Neoplastic Syndromes, Hereditary. Identifiers: Orphanet 140162, MedGen C0027672, MeSH D009386, MONDO:0015356.

Submissions (2):

Color Diagnostics, LLC DBA Color Health
Classification: Uncertain significance for Hereditary cancer-predisposing syndrome. Last evaluated: 2025-09-05. Review status: criteria provided, single submitter. Criteria: ACMG Guidelines, 2015. Collection method: clinical testing. Allele origin: germline.
Comment: This missense variant replaces glutamine with glutamic acid at codon 781 of the PMS2 protein. Computational prediction suggests that this variant may not impact protein structure and function. To our knowledge, functional studies have not been reported for this variant. This variant has not been reported in individuals affected with PMS2-related disorders in the literature. This variant has not been identified in the general population by the Genome Aggregation Database (gnomAD). The available evidence is insufficient to determine the role of this variant in disease conclusively. Therefore, this variant is classified as a Variant of Uncertain Significance.

Ambry Genetics
Classification: Uncertain significance for Hereditary cancer-predisposing syndrome. Last evaluated: 2022-03-13. Review status: criteria provided, single submitter. Criteria: Ambry Variant Classification Scheme 2023. Collection method: clinical testing. Allele origin: germline.
Comment: The p.Q781E variant (also known as c.2341C>G), located in coding exon 14 of the PMS2 gene, results from a C to G substitution at nucleotide position 2341. The glutamine at codon 781 is replaced by glutamic acid, an amino acid with highly similar properties. This amino acid position is conserved. In addition, this alteration is predicted to be tolerated by in silico analysis. Since supporting evidence is limited at this time, the clinical significance of this alteration remains unclear.

NM_000535.7(PMS2):c.2341C>G (p.Gln781Glu)

Gene: PMS2 (PMS1 homolog 2, mismatch repair system component; minus strand). Cytogenetic location: 7p22.1.
Variant type: single nucleotide variant.
Coding change: c.2341C>G on transcript NM_000535.7 (MANE Select); coding-DNA position 2341, C replaced by G.
Protein change: p.Gln781Glu; replaces glutamine 781 with glutamic acid.
Molecular consequence: missense variant. On other transcripts: non-coding transcript variant (1).
Genome position (GRCh38, 1-based): chr7:5,977,692, G>C on the plus strand (C>G on the coding strand, the complement: PMS2 is on the minus strand). VCF-style: chr7-5977692-G-C. GRCh37 (hg19) VCF-style: chr7-6017323-G-C.
Other names: c.1936C>G, p.Gln646Glu (NM_001018040.1, NM_001322003.2, NM_001322004.2 and 12 more transcripts); c.2185C>G, p.Gln729Glu (NM_001322006.2); c.2023C>G, p.Gln675Glu (NM_001322007.2, NM_001322008.2, NM_001406883.1); c.1969C>G, p.Gln657Glu (NM_001322009.2, NM_001406887.1, NM_001406888.1); c.1780C>G, p.Gln594Glu (NM_001322010.2, NM_001406906.1, NM_001406907.1); c.1408C>G, p.Gln470Glu (NM_001322011.2, NM_001322012.2); c.1768C>G, p.Gln590Glu (NM_001322013.2, NM_001406908.1, NM_001406909.1); c.2374C>G, p.Gln792Glu (NM_001322014.2); and 20 more; short protein forms Q470E, Q524E, Q626E, Q657E, Q659E, Q678E, Q689E, Q715E.
Identifiers: ClinVar variation 1789869 (VCV001789869.3), dbSNP rs587780054, ClinGen allele CA366735924.